The following is an entry in ClinVar:

ClinVar aggregate classification (germline): Uncertain significance (1 of 4 stars; one submission).

Conditions:
Compton-North congenital myopathy (CMYO12). Identifiers: Orphanet 210163, MedGen C2675527, MONDO:0012929, OMIM 612540.

Allele frequency attached by ClinVar (database versions not stated): TOPMed below 0.00001.
gnomAD v4.1: 2 of 1,612,754 alleles (0.00012%); no homozygotes.

Submission:

Labcorp Genetics (formerly Invitae), Labcorp
Classification: Uncertain significance for Compton-North congenital myopathy. Last evaluated: 2022-02-02. Review status: criteria provided, single submitter. Criteria: Invitae Variant Classification Sherloc (09022015). Collection method: clinical testing. Allele origin: germline.
Comment: This sequence change replaces glutamine, which is neutral and polar, with arginine, which is basic and polar, at codon 586 of the CNTN1 protein (p.Gln586Arg). In summary, the available evidence is currently insufficient to determine the role of this variant in disease. Therefore, it has been classified as a Variant of Uncertain Significance. Advanced modeling of protein sequence and biophysical properties (such as structural, functional, and spatial information, amino acid conservation, physicochemical variation, residue mobility, and thermodynamic stability) performed at Invitae indicates that this missense variant is not expected to disrupt CNTN1 protein function. This variant has not been reported in the literature in individuals affected with CNTN1-related conditions. This variant is present in population databases (no rsID available, gnomAD no frequency).

NM_001843.4(CNTN1):c.1757A>G (p.Gln586Arg)

Gene: CNTN1 (contactin 1; plus strand). Cytogenetic location: 12q12.
Variant type: single nucleotide variant.
Coding change: c.1757A>G on transcript NM_001843.4 (MANE Select); coding-DNA position 1757, A replaced by G.
Protein change: p.Gln586Arg; replaces glutamine 586 with arginine.
Molecular consequence: missense variant.
Genome position (GRCh38, 1-based): chr12:40,959,187, A>G. VCF-style: chr12-40959187-A-G. GRCh37 (hg19) VCF-style: chr12-41352989-A-G.
Other names: c.1757A>G, p.Gln586Arg (NM_001256063.2, NM_001256064.2); c.1724A>G, p.Gln575Arg (NM_175038.2); short protein forms Q575R, Q586R.
Identifiers: ClinVar variation 1919115 (VCV001919115.5), dbSNP rs1454223204, ClinGen allele CA384425359.